The following is an entry in ClinVar:

ClinVar aggregate classification (germline): Pathogenic/Likely pathogenic. Review status: criteria provided, multiple submitters, no conflicts (2 of 4 stars). 2 submissions from 2 submitters: Pathogenic (1); Likely pathogenic (1). Last evaluated 2024-08-05.

Conditions:
Marfan syndrome (MFS). Also called: MARFAN SYNDROME, TYPE I; Marfan syndrome type 1; Marfan's syndrome; Marfan syndrome, classic; FBN1-Related Marfan Syndrome. Identifiers: Orphanet 284963, Orphanet 558, MedGen C0024796, MONDO:0007947, OMIM 154700.
Familial thoracic aortic aneurysm and aortic dissection (TAAD). Also called: Thoracic aortic aneurysms and dissections. Identifiers: Orphanet 91387, MedGen C4707243, MONDO:0019625.
FBN1-related disorder. Also called: FBN1-related disorders.

Submissions (2):

Labcorp Genetics (formerly Invitae), Labcorp
Classification: Pathogenic for Marfan syndrome; Familial thoracic aortic aneurysm and aortic dissection. Last evaluated: 2024-08-05. Review status: criteria provided, single submitter. Criteria: Invitae Variant Classification Sherloc (09022015). Collection method: clinical testing. Allele origin: germline.
Comment: This sequence change creates a premature translational stop signal (p.Ala986Glyfs*6) in the FBN1 gene. It is expected to result in an absent or disrupted protein product. Loss-of-function variants in FBN1 are known to be pathogenic (PMID: 17657824, 19293843). This variant is not present in population databases (gnomAD no frequency). This premature translational stop signal has been observed in individual(s) with clinical features of Marfan syndrome (PMID: 27906200). For these reasons, this variant has been classified as Pathogenic.

Blueprint Genetics
Classification: Likely pathogenic for FBN1-related disorders. Last evaluated: 2021-11-08. Review status: criteria provided, single submitter. Criteria: ACMG Guidelines, 2015. Collection method: clinical testing. Allele origin: germline. Affected: yes. Observed: 1 variant allele.

Literature cited by the submitters: PubMed 17657824 (cited by Labcorp Genetics (formerly Invitae), Labcorp); PubMed 19293843 (cited by Labcorp Genetics (formerly Invitae), Labcorp); PubMed 27906200 (cited by Labcorp Genetics (formerly Invitae), Labcorp).

NM_000138.5(FBN1):c.2956dup (p.Ala986fs)

Gene: FBN1 (fibrillin 1; minus strand). Cytogenetic location: 15q21.1.
Variant type: Duplication.
Coding change: c.2956dup on transcript NM_000138.5 (MANE Select); coding-DNA position 2956, one base duplicated (G; older notation c.2956dupG).
Protein change: p.Ala986fs; shifts the reading frame from alanine 986.
Molecular consequence: frameshift variant.
Genome position (GRCh38, 1-based): chr15:48,489,977, C duplicated on the plus strand (G on the coding strand, the reverse complement: FBN1 is on the minus strand); the first of 4 consecutive C bases (chr15:48,489,977-48,489,980); duplicating any one gives the same sequence. VCF-style (leftmost placement, unchanged base first): chr15-48489976-G-GC. GRCh37 (hg19) VCF-style: chr15-48782173-G-GC.
Other names: c.2956dup, p.Ala986fs (NM_001406716.1); short protein forms A986fs.
Identifiers: ClinVar variation 3759294 (VCV003759294.3).